The following is an entry in ClinVar:

NM_000429.3(MAT1A):c.870A>G (p.Val290=)

Gene: MAT1A (methionine adenosyltransferase 1A; minus strand). Cytogenetic location: 10q22.3.
Variant type: single nucleotide variant.
Coding change: c.870A>G on transcript NM_000429.3 (MANE Select); coding-DNA position 870, A replaced by G.
Protein change: p.Val290=; no amino-acid change (valine 290 retained).
Molecular consequence: synonymous variant.
Genome position (GRCh38, 1-based): chr10:80,275,098, T>C on the plus strand (A>G on the coding strand, the complement: MAT1A is on the minus strand). VCF-style: chr10-80275098-T-C. GRCh37 (hg19) VCF-style: chr10-82034854-T-C.
Identifiers: ClinVar variation 256106 (VCV000256106.26), dbSNP rs10788546, ClinGen allele CA5576686.
Genomic context (GRCh38, chr10:80,275,098, plus strand): 5'-GAGCCCTGCTTTCACCAGAGACTTGGCCACCCAGCGGGCAGCATATGCAGCTGAGCGGTC[T>C]ACCTTGGTGTAGTCCTTCCCAGAGAAGGCCCCACCACCATGAGCCCCCCAGCCGCCATAG-3'
Protein context (NP_000420.1, residues 280-300): GAFSGKDYTK[Val290=]DRSAAYAARW

ClinVar aggregate classification (germline): Benign. Review status: criteria provided, multiple submitters, no conflicts (2 of 4 stars). 8 submissions from 8 submitters: Benign (6). 2 of the submissions do not count toward it. Last evaluated 2026-02-03.

Conditions:
Hepatic methionine adenosyltransferase deficiency. Also called: MAT I/III DEFICIENCY; Isolated Persistent Hypermethioninemia; Methionine adenosyltransferase deficiency; Deficiency of methionine adenosyltransferase. Identifiers: Orphanet 168598, MedGen C0268621, MeSH C564683, MONDO:0009607, OMIM 250850.

Allele frequency attached by ClinVar (database versions not stated): gnomAD exomes 0.66770 and 0.72571; ESP Exome Variant Server 0.70934; gnomAD 0.73313 and 0.73840; TOPMed 0.74861; ExAC 0.75044; 1000 Genomes Project 30x 0.83838; 1000 Genomes Project 0.84085.
gnomAD v4.1: 1,082,398 of 1,602,276 alleles (68%); highest among the groups gnomAD compares: East Asian, 95%; 372,274 homozygotes.

Submissions (8):

Labcorp Genetics (formerly Invitae), Labcorp
Classification: Benign for Hepatic methionine adenosyltransferase deficiency. Last evaluated: 2026-02-03. Review status: criteria provided, single submitter. Criteria: Invitae Variant Classification Sherloc (09022015). Collection method: clinical testing. Allele origin: germline.

Illumina Laboratory Services, Illumina
Classification: Benign for Hepatic methionine adenosyltransferase deficiency. Last evaluated: 2018-01-13. Review status: criteria provided, single submitter. Criteria: ICSL Variant Classification Criteria 13 December 2019. Collection method: clinical testing. Allele origin: germline.
Comment: This variant was observed in the ICSL laboratory as part of a predisposition screen in an ostensibly healthy population. It had not been previously curated by ICSL or reported in the Human Gene Mutation Database (HGMD: prior to June 1st, 2018), and was therefore a candidate for classification through an automated scoring system. Utilizing variant allele frequency, disease prevalence and penetrance estimates, and inheritance mode, an automated score was calculated to assess if this variant is too frequent to cause the disease. Based on the score and internal cut-off values, a variant classified as benign is not then subjected to further curation. The score for this variant resulted in a classification of benign for this disease.

Eurofins Ntd Llc (ga)
Classification: Benign. Last evaluated: 2016-04-21. Review status: criteria provided, single submitter. Criteria: EGL Classification Definitions 2015. Collection method: clinical testing. Allele origin: germline. Observed: 4 variant alleles, 2 heterozygotes, 2 homozygotes.

GeneDx
Classification: Benign. Last evaluated: 2015-03-03. Review status: criteria provided, single submitter. Criteria: GeneDx Variant Classification Process June 2021. Collection method: clinical testing. Allele origin: germline. Affected: yes.

Breakthrough Genomics
Classification: Benign. Review status: criteria provided, single submitter. Criteria: ACMG Guidelines, 2015. Collection method: not provided. Allele origin: germline. Inheritance: Autosomal dominant inheritance. Affected: yes.

PreventionGenetics, part of Exact Sciences
Classification: Benign. Review status: criteria provided, single submitter. Criteria: ACMG Guidelines, 2015. Collection method: clinical testing. Allele origin: germline.

Diagnostic Laboratory, Department of Genetics, University Medical Center Groningen
Classification: Benign. Review status: no assertion criteria provided. Collection method: clinical testing. Allele origin: germline. Affected: yes. Study: VKGL Data-share Consensus. Not counted in ClinVar's aggregate classification.

Joint Genome Diagnostic Labs from Nijmegen and Maastricht, Radboudumc and MUMC+
Classification: Benign. Review status: no assertion criteria provided. Collection method: clinical testing. Allele origin: germline. Affected: yes. Study: VKGL Data-share Consensus. Not counted in ClinVar's aggregate classification.